The following is an entry in ClinVar:

NM_006269.2(RP1):c.5008G>A (p.Ala1670Thr)

Genes: RP1 (RP1 axonemal microtubule associated; plus strand), LOC126860392 (CDK7 strongly-dependent group 2 enhancer GRCh37_chr8:55541319-55542518; plus strand). Cytogenetic location: 8q12.1.
Variant type: single nucleotide variant.
Coding change: c.5008G>A on transcript NM_006269.2 (MANE Select); coding-DNA position 5008, G replaced by A.
Protein change: p.Ala1670Thr; replaces alanine 1670 with threonine.
Molecular consequence: missense variant.
Genome position (GRCh38, 1-based): chr8:54,628,890, G>A. VCF-style: chr8-54628890-G-A. GRCh37 (hg19) VCF-style: chr8-55541450-G-A.
Other names: short protein forms A1670T.
Identifiers: ClinVar variation 95352 (VCV000095352.31), dbSNP rs446227, ClinGen allele CA148463.
Genomic context (GRCh38, chr8:54,628,890, plus strand): 5'-TCTACCCGCAAATCTCAGGTTTGTCCTTATAATTCTGTGGAATTTCAGTGTTCCAGGAAA[G>A]CAAGTCTTTATGATTCTGAAGGGCAGTCATTTGGCTCTTCTGAACAGGTATCTAGTAGTT-3'
Protein context (NP_006260.1, residues 1660-1680): NSVEFQCSRK[Ala1670Thr]SLYDSEGQSF

ClinVar aggregate classification (germline): Benign. Review status: criteria provided, multiple submitters, no conflicts (2 of 4 stars). 12 submissions from 12 submitters: Benign (7). 5 of the submissions do not count toward it. Last evaluated 2026-02-03.

Conditions:
Retinal dystrophy. Also called: Inherited retinal dystrophy. Identifiers: Orphanet 71862, MedGen C0854723, MeSH D058499, MONDO:0019118, HP:0000556.
Retinitis pigmentosa (RP). Identifiers: Orphanet 791, MedGen C0035334, MeSH D012174, MONDO:0019200, OMIM 268000. Inheritance: Autosomal dominant, autosomal recessive and X linked inheritance.
Autosomal recessive retinitis pigmentosa. Identifiers: MedGen C0339526.
Retinitis pigmentosa 1 (RP1). Identifiers: Orphanet 791, MedGen C0220701, MONDO:0008377, OMIM 180100.

Allele frequency attached by ClinVar (database versions not stated): gnomAD 0.21425 and 0.21985; ESP Exome Variant Server 0.20552; ExAC 0.25318; gnomAD exomes 0.25939; 1000 Genomes Project 0.24820; TOPMed 0.22483; 1000 Genomes Project 30x 0.24141.
gnomAD v4.1: 407,859 of 1,613,814 alleles (25%); highest among the groups gnomAD compares: East Asian, 41%; 53,835 homozygotes.

Submissions (12):

Labcorp Genetics (formerly Invitae), Labcorp
Classification: Benign. Last evaluated: 2026-02-03. Review status: criteria provided, single submitter. Criteria: Invitae Variant Classification Sherloc (09022015). Collection method: clinical testing. Allele origin: germline.

Dept Of Ophthalmology, Nagoya University
Classification: Benign for Retinal dystrophy. Last evaluated: 2023-10-01. Review status: criteria provided, single submitter. Criteria: Submitter's publication. Collection method: research. Allele origin: germline. Affected: yes.

Department of Pathology and Laboratory Medicine, Sinai Health System
Classification: Benign for Retinitis pigmentosa 1. Last evaluated: 2023-04-17. Review status: criteria provided, single submitter. Criteria: ACMG Guidelines, 2015. Collection method: research. Allele origin: germline.

Genome-Nilou Lab
Classification: Benign for Retinitis pigmentosa 1. Last evaluated: 2021-11-07. Review status: criteria provided, single submitter. Criteria: ACMG Guidelines, 2015. Collection method: clinical testing. Allele origin: germline. Affected: no.

Illumina Laboratory Services, Illumina
Classification: Benign for Retinitis pigmentosa. Last evaluated: 2018-01-12. Review status: criteria provided, single submitter. Criteria: ICSL Variant Classification Criteria 13 December 2019. Collection method: clinical testing. Allele origin: germline.
Comment: This variant was observed in the ICSL laboratory as part of a predisposition screen in an ostensibly healthy population. It had not been previously curated by ICSL or reported in the Human Gene Mutation Database (HGMD: prior to June 1st, 2018), and was therefore a candidate for classification through an automated scoring system. Utilizing variant allele frequency, disease prevalence and penetrance estimates, and inheritance mode, an automated score was calculated to assess if this variant is too frequent to cause the disease. Based on the score and internal cut-off values, a variant classified as benign is not then subjected to further curation. The score for this variant resulted in a classification of benign for this disease.

Eurofins Ntd Llc (ga)
Classification: Benign. Last evaluated: 2015-10-19. Review status: criteria provided, single submitter. Criteria: EGL Classification Definitions 2015. Collection method: clinical testing. Allele origin: germline. Observed: 8 variant alleles, 6 heterozygotes, 2 homozygotes.

Breakthrough Genomics
Classification: Benign. Review status: criteria provided, single submitter. Criteria: ACMG Guidelines, 2015. Collection method: not provided. Allele origin: germline. Inheritance: Autosomal dominant inheritance. Affected: yes.

Faculty of Health Sciences, Beirut Arab University
Classification: Pathogenic for Autosomal recessive Retinitis Pigmentosa. Last evaluated: 2012-10-26. Review status: no assertion criteria provided. Collection method: literature only. Allele origin: germline. Affected: yes. Observed: 5 variant alleles. Not counted in ClinVar's aggregate classification.

Clinical Genetics, Academic Medical Center
Classification: Benign. Review status: no assertion criteria provided. Collection method: clinical testing. Allele origin: germline. Affected: yes. Study: VKGL Data-share Consensus. Not counted in ClinVar's aggregate classification.

Department of Ophthalmology and Visual Sciences Kyoto University
Classification: Likely benign. Review status: no assertion criteria provided. Collection method: not provided. Allele origin: unknown. Not counted in ClinVar's aggregate classification.
ClinVar note: Converted during submission from probable-non-pathogenic to Likely benign.

Diagnostic Laboratory, Department of Genetics, University Medical Center Groningen
Classification: Benign. Review status: no assertion criteria provided. Collection method: clinical testing. Allele origin: germline. Affected: yes. Study: VKGL Data-share Consensus. Not counted in ClinVar's aggregate classification.

Joint Genome Diagnostic Labs from Nijmegen and Maastricht, Radboudumc and MUMC+
Classification: Benign. Review status: no assertion criteria provided. Collection method: clinical testing. Allele origin: germline. Affected: yes. Study: VKGL Data-share Consensus. Not counted in ClinVar's aggregate classification.

Literature cited by the submitters: PubMed 23105016 (cited by Faculty of Health Sciences, Beirut Arab University).